The following is an entry in ClinVar:

NM_006514.4(SCN10A):c.5581G>T (p.Ala1861Ser)

Gene: SCN10A (sodium voltage-gated channel alpha subunit 10; minus strand). Cytogenetic location: 3p22.2.
Variant type: single nucleotide variant.
Coding change: c.5581G>T on transcript NM_006514.4 (MANE Select); coding-DNA position 5581, G replaced by T.
Protein change: p.Ala1861Ser; replaces alanine 1861 with serine.
Molecular consequence: missense variant.
Genome position (GRCh38, 1-based): chr3:38,697,639, C>A on the plus strand (G>T on the coding strand, the complement: SCN10A is on the minus strand). VCF-style: chr3-38697639-C-A. GRCh37 (hg19) VCF-style: chr3-38739130-C-A.
Other names: c.5578G>T, p.Ala1860Ser (NM_001293306.2); c.5287G>T, p.Ala1763Ser (NM_001293307.2); short protein forms A1860S, A1763S, A1861S.
Identifiers: ClinVar variation 1748431 (VCV001748431.2), dbSNP rs771771293, ClinGen allele CA2319651.
Genomic context (GRCh38, chr3:38,697,639, plus strand): 5'-TGGGCACACATGGGGTGTTAGAGAGTGCCATGGAGCGGTGCAGCACATAGCTCCGATAGG[C>A]CTTTTGAATGACAGTGGCTGAAATGTCTTCTTGCTTCCATCGGAGAGTGGTTGCTATTGG-3'
Protein context (NP_006505.4, residues 1851-1871): EDISATVIQK[Ala1861Ser]YRSYVLHRSM

ClinVar aggregate classification (germline): Uncertain significance (1 of 4 stars; one submission).

Conditions:
Cardiovascular phenotype. Identifiers: MedGen CN230736.

Allele frequency attached by ClinVar (database versions not stated): ExAC 0.00001.
gnomAD v4.1: 1 of 1,614,180 alleles (0.000062%); highest among the groups gnomAD compares: Non-Finnish European, 0.000085%; no homozygotes.

Submission:

Ambry Genetics
Classification: Uncertain significance for Cardiovascular phenotype. Last evaluated: 2021-06-07. Review status: criteria provided, single submitter. Criteria: Ambry Variant Classification Scheme 2023. Collection method: clinical testing. Allele origin: germline.
Comment: The p.A1861S variant (also known as c.5581G>T), located in coding exon 27 of the SCN10A gene, results from a G to T substitution at nucleotide position 5581. The alanine at codon 1861 is replaced by serine, an amino acid with similar properties. This amino acid position is well conserved in available vertebrate species. In addition, the in silico prediction for this alteration is inconclusive. Since supporting evidence is limited at this time, the clinical significance of this alteration remains unclear.